The following is an entry in ClinVar:

NM_183381.3(RNF13):c.1077T>G (p.Asn359Lys)

Gene: RNF13 (ring finger protein 13; plus strand). Cytogenetic location: 3q25.1.
Variant type: single nucleotide variant.
Coding change: c.1077T>G on transcript NM_183381.3 (MANE Select); coding-DNA position 1077, T replaced by G.
Protein change: p.Asn359Lys; replaces asparagine 359 with lysine.
Molecular consequence: missense variant. On other transcripts: non-coding transcript variant (1).
Genome position (GRCh38, 1-based): chr3:149,961,035, T>G. VCF-style: chr3-149961035-T-G. GRCh37 (hg19) VCF-style: chr3-149678822-T-G.
Other names: c.1077T>G, p.Asn359Lys (NM_001378285.1, NM_001378286.1, NM_007282.4); c.720T>G, p.Asn240Lys (NM_001378287.1, NM_001378288.1, NM_001378289.1 and 2 more transcripts); c.684T>G, p.Asn228Lys (NM_001378291.1); short protein forms N228K, N359K, N240K.
Identifiers: ClinVar variation 1499133 (VCV001499133.8), dbSNP rs2108622905, ClinGen allele CA354936308.
Genomic context (GRCh38, chr3:149,961,035, plus strand): 5'-AGACTATGAGGAAGACGACAATGAAGATACTGACAGTAGTGATGCAGAAAATGAAATTAA[T>G]GAACATGATGTCGTGGTCCAGTTGCAGCCTAATGGTGAACGGGATTACAACATAGCAAAT-3'
Protein context (NP_899237.1, residues 349-369): TDSSDAENEI[Asn359Lys]EHDVVVQLQP

ClinVar aggregate classification (germline): Uncertain significance (1 of 4 stars; one submission).

Submission:

Labcorp Genetics (formerly Invitae), Labcorp
Classification: Uncertain significance. Last evaluated: 2021-06-16. Review status: criteria provided, single submitter. Criteria: Invitae Variant Classification Sherloc (09022015). Collection method: clinical testing. Allele origin: germline.
Comment: This variant has not been reported in the literature in individuals with RNF13-related conditions. This sequence change replaces asparagine with lysine at codon 359 of the RNF13 protein (p.Asn359Lys). The asparagine residue is moderately conserved and there is a moderate physicochemical difference between asparagine and lysine. This variant is not present in population databases (ExAC no frequency). Algorithms developed to predict the effect of missense changes on protein structure and function (SIFT, PolyPhen-2, Align-GVGD) all suggest that this variant is likely to be tolerated, but these predictions have not been confirmed by published functional studies and their clinical significance is uncertain. In summary, the available evidence is currently insufficient to determine the role of this variant in disease. Therefore, it has been classified as a Variant of Uncertain Significance.